The following is an entry in ClinVar:

NM_007294.4(BRCA1):c.3929C>G (p.Thr1310Arg)

Genes: BRCA1 (BRCA1 DNA repair associated; minus strand), LOC126862571 (BRD4-independent group 4 enhancer GRCh37_chr17:41243136-41244335; plus strand). Cytogenetic location: 17q21.31.
Variant type: single nucleotide variant.
Coding change: c.3929C>G on transcript NM_007294.4 (MANE Select); coding-DNA position 3929, C replaced by G.
Protein change: p.Thr1310Arg; replaces threonine 1310 with arginine.
Molecular consequence: missense variant. On other transcripts: intron variant (135).
Genome position (GRCh38, 1-based): chr17:43,091,602, G>C on the plus strand (C>G on the coding strand, the complement: BRCA1 is on the minus strand). VCF-style: chr17-43091602-G-C. GRCh37 (hg19) VCF-style: chr17-41243619-G-C.
Other names: c.3803C>G, p.Thr1268Arg (NM_001407673.1, NM_001407649.1, NM_001407670.1 and 11 more transcripts); c.785-570C>G (NM_001408401.1, NM_001408396.1, NM_001407985.1 and 13 more transcripts); c.3806C>G, p.Thr1269Arg (NM_001407679.1, NM_001407680.1, NM_001407683.1 and 19 more transcripts); c.3929C>G, p.Thr1310Arg (NM_001407684.1, NM_001407639.1, NM_001407640.1 and 30 more transcripts); c.548-570C>G (NM_001408494.1); c.665-570C>G (NM_001408444.1, NM_001408438.1, NM_001408430.1 and 12 more transcripts); c.671-570C>G (NM_001408423.1, NM_001408420.1, NM_001408419.1 and 2 more transcripts); c.3926C>G, p.Thr1309Arg (NM_001407631.1, NM_001407632.1, NM_001407633.1 and 22 more transcripts); and 41 more; short protein forms T1310R, T1263R, T1221R, T1222R, T1239R, T1243R, T1183R, T1269R.
Identifiers: ClinVar variation 220135 (VCV000220135.13), dbSNP rs80357257, ClinGen allele CA349065.

ClinVar aggregate classification (germline): Conflicting classifications of pathogenicity. Review status: criteria provided, conflicting classifications (1 of 4 stars). 3 submissions from 3 submitters: Uncertain significance (1); Likely benign (2). Last evaluated 2024-10-02.

Conditions:
Hereditary cancer-predisposing syndrome. Also called: Hereditary neoplastic syndrome; Tumor predisposition; Hereditary Cancer Syndrome; Neoplastic Syndromes, Hereditary. Identifiers: Orphanet 140162, MedGen C0027672, MeSH D009386, MONDO:0015356.
Hereditary breast ovarian cancer syndrome. Also called: BRCA1- and BRCA2-Associated Hereditary Breast and Ovarian Cancer; Hereditary breast and ovarian cancer syndrome (HBOC); Hereditary breast and/or ovarian cancer syndrome; Hereditary breast and ovarian cancer syndrome; Hereditary breast and ovarian cancer; Breast and ovarian cancer. Identifiers: Orphanet 145, MedGen C0677776, MeSH D061325, MONDO:0003582. Disease mechanism: loss of function.

Submissions (3):

Molecular Diagnostics Laboratory, Catalan Institute of Oncology
Classification: Likely benign for Hereditary cancer-predisposing syndrome. Last evaluated: 2024-10-02. Review status: criteria provided, single submitter. Criteria: ClinGen BRCA1BRCA2 ACMG Specifications BRCA1 V1.0.0. Collection method: clinical testing. Allele origin: germline.
Comment: PM2_Supporting, BP1_Strong c.3929C>G, located in exon 10 (11 according BIC nomenclature) of the BRCA1 gene, is predicted to result in the substitution of threonine by arginine at codon 1310, p.(Thr1310Arg). This position is outside a (potentially) clinically important functional domain and, moreover, the SpliceAI algorithm predicts no significant impact on splicing (BP1_strong). It is not present in the population database gnomAD v2.1.1, non cancer dataset (PM2_supporting). To our knowledge, neither relevant clinical data nor well-stablished functional studies have been reported for this variant. In addition, it has been identified in the ClinVar database (1x likely benign, 1x uncertain significance) and BRCA Exchange database (not yet reviewed), but it is not present in the LOVD database. Based on the currently available information, c.3929C>G is classified as a likely benign variant according to ClinGen-BRCA1 Guidelines version v1.0.0.

University of Washington Department of Laboratory Medicine, University of Washington
Classification: Likely benign for Hereditary cancer-predisposing syndrome. Last evaluated: 2023-03-23. Review status: criteria provided, single submitter. Criteria: Dines et al. (Genet Med. 2020). Collection method: curation. Allele origin: germline.
Comment: Missense variant in a coldspot region where missense variants are very unlikely to be pathogenic (PMID:31911673).

BRCA1 coldspot (exon 11 using historical exon numbering). Reclassification based on statistical prior probability

Labcorp Genetics (formerly Invitae), Labcorp
Classification: Uncertain significance for Hereditary breast ovarian cancer syndrome. Last evaluated: 2021-08-26. Review status: criteria provided, single submitter. Criteria: Invitae Variant Classification Sherloc (09022015). Collection method: clinical testing. Allele origin: germline.
Comment: In summary, the available evidence is currently insufficient to determine the role of this variant in disease. Therefore, it has been classified as a Variant of Uncertain Significance. Algorithms developed to predict the effect of missense changes on protein structure and function (SIFT, PolyPhen-2, Align-GVGD) all suggest that this variant is likely to be tolerated, but these predictions have not been confirmed by published functional studies and their clinical significance is uncertain. This variant has not been reported in the literature in individuals with BRCA1-related conditions. ClinVar contains an entry for this variant (Variation ID: 220135). This variant is not present in population databases (ExAC no frequency). This sequence change replaces threonine with arginine at codon 1310 of the BRCA1 protein (p.Thr1310Arg). The threonine residue is moderately conserved and there is a moderate physicochemical difference between threonine and arginine.